The following is an entry in ClinVar:

NM_024649.5(BBS1):c.157A>G (p.Lys53Glu)

Gene: BBS1 (Bardet-Biedl syndrome 1; plus strand). Cytogenetic location: 11q13.2.
Variant type: single nucleotide variant.
Coding change: c.157A>G on transcript NM_024649.5 (MANE Select); coding-DNA position 157, A replaced by G.
Protein change: p.Lys53Glu; replaces lysine 53 with glutamic acid.
Molecular consequence: missense variant.
Genome position (GRCh38, 1-based): chr11:66,511,237, A>G. VCF-style: chr11-66511237-A-G. GRCh37 (hg19) VCF-style: chr11-66278708-A-G.
Other names: short protein forms K53E.
Identifiers: ClinVar variation 462953 (VCV000462953.10), dbSNP rs766602837, ClinGen allele CA6123263.

ClinVar aggregate classification (germline): Uncertain significance. Review status: criteria provided, multiple submitters, no conflicts (2 of 4 stars). 5 submissions from 5 submitters: Uncertain significance (4). 1 of the submissions does not count toward it. Last evaluated 2026-03-04.

Conditions:
BBS1-related disorder. Also called: BBS1-related condition.
Bardet-Biedl syndrome 1 (BBS1). Identifiers: MedGen C2936862, MONDO:0008854, OMIM 209900. Disease mechanism: loss of function.
Bardet-Biedl syndrome (BBS). Identifiers: Orphanet 110, MedGen C0752166, MONDO:0015229.

Allele frequency attached by ClinVar (database versions not stated): gnomAD exomes below 0.00001 and 0.00001; ExAC 0.00001; gnomAD 0.00001; TOPMed 0.00004.

Submissions (5):

PreventionGenetics, part of Exact Sciences
Classification: Uncertain significance for BBS1-related condition. Last evaluated: 2026-03-04. Review status: criteria provided, single submitter. Criteria: ACMG Guidelines, 2015. Collection method: clinical testing. Allele origin: germline.
Comment: The BBS1 c.157A>G variant is predicted to result in the amino acid substitution p.Lys53Glu. This variant has been reported in an individual with Bardet-Biedl syndrome (Beales et al. 2003. PubMed ID: 12677556). The functional study showed that this variant affects BBS1 expression (Table S4, Zaghloul et al. 2010. PubMed ID: 20498079). This variant is reported in 0.020% of alleles in individuals of East Asian descent in gnomAD. At this time, the clinical significance of this variant is uncertain due to the absence of conclusive functional and genetic evidence.

Labcorp Genetics (formerly Invitae), Labcorp
Classification: Uncertain significance for Bardet-Biedl syndrome. Last evaluated: 2022-05-29. Review status: criteria provided, single submitter. Criteria: Invitae Variant Classification Sherloc (09022015). Collection method: clinical testing. Allele origin: germline.
Comment: This sequence change replaces lysine, which is basic and polar, with glutamic acid, which is acidic and polar, at codon 53 of the BBS1 protein (p.Lys53Glu). The frequency data for this variant in the population databases is considered unreliable, as metrics indicate poor data quality at this position in the gnomAD database. This missense change has been observed in individual(s) with Bardet-Biedl syndrome (PMID: 12677556). ClinVar contains an entry for this variant (Variation ID: 462953). Algorithms developed to predict the effect of missense changes on protein structure and function are either unavailable or do not agree on the potential impact of this missense change (SIFT: "Deleterious"; PolyPhen-2: "Probably Damaging"; Align-GVGD: "Class C0"). Experimental studies have shown that this missense change affects BBS1 function (PMID: 20498079). In summary, the available evidence is currently insufficient to determine the role of this variant in disease. Therefore, it has been classified as a Variant of Uncertain Significance.

Fulgent Genetics
Classification: Uncertain significance for Bardet-Biedl syndrome 1. Last evaluated: 2021-08-19. Review status: criteria provided, single submitter. Criteria: ACMG Guidelines, 2015. Collection method: clinical testing. Allele origin: unknown.

Juno Genomics, Hangzhou Juno Genomics, Inc
Classification: Uncertain significance for Bardet-Biedl syndrome 1. Review status: criteria provided, single submitter. Criteria: ACMG Guidelines, 2015. Collection method: clinical testing. Allele origin: germline.
Comment: Absent from controls (or at extremely low frequency if recessive) in Genome Aggregation Database.;Multiple lines of computational evidence support a deleterious effect on the gene or gene product.

Natera, Inc.
Classification: Uncertain significance for Bardet-Biedl syndrome type 1. Last evaluated: 2020-11-30. Review status: no assertion criteria provided. Collection method: clinical testing. Allele origin: germline. Not counted in ClinVar's aggregate classification.

Literature cited by the submitters: PubMed 12677556 (cited by Labcorp Genetics (formerly Invitae), Labcorp); PubMed 20498079 (cited by Labcorp Genetics (formerly Invitae), Labcorp).